The following is an entry in ClinVar:

NM_003041.4(SLC5A2):c.1889AGG[2] (p.Glu632del)

Genes: RUSF1 (RUS family member 1; minus strand), SLC5A2 (solute carrier family 5 member 2; plus strand). Cytogenetic location: 16p11.2.
Variant type: Microsatellite.
Coding change: c.1889AGG[2] on transcript NM_003041.4 (MANE Select); two copies in a row of the 3-base unit AGG starting at c.1889; the reference has three copies in a row; one copy, 3 bases deleted; also written c.1895_1897del.
Protein change: p.Glu632del; deletes glutamic acid 632.
Molecular consequence: inframe deletion. On other transcripts: 3 prime UTR variant (1), non-coding transcript variant (1).
Genome position (GRCh38, 1-based): chr16:31,490,411-31,490,413, AGG deleted; deleting any 3 consecutive bases within chr16:31,490,405-31,490,413 gives the same sequence; the position shown is the placement nearest the transcript's 3' end. VCF-style (leftmost placement, unchanged base first): chr16-31490404-CAGG-C. GRCh37 (hg19) VCF-style: chr16-31501725-CAGG-C.
Other names: c.*422CCT[2] (NM_022744.4); c.1895_1897del (NM_003041.4); short protein forms E632del.
Identifiers: ClinVar variation 5005580 (VCV005005580.2), dbSNP rs771257793.

ClinVar aggregate classification (germline): Uncertain significance (1 of 4 stars; one submission).

Conditions:
Familial renal glucosuria (GLYS). Also called: Familial renal glycosuria; RENAL GLUCOSURIA, AUTOSOMAL DOMINANT. Identifiers: Orphanet 69076, MedGen C3245525, MONDO:0009297, OMIM 233100.

Submission:

Juno Genomics, Hangzhou Juno Genomics, Inc
Classification: Uncertain significance for Familial renal glucosuria. Review status: criteria provided, single submitter. Criteria: ACMG Guidelines, 2015. Collection method: clinical testing. Allele origin: germline.
Comment: Absent from controls (or at extremely low frequency if recessive) in Genome Aggregation Database.;Protein length changes due to in-frame deletions/insertions in a non-repeat region or stop-loss variants.